The following is an entry in ClinVar:

NM_001768.7(CD8A):c.547A>G (p.Ile183Val)

Gene: CD8A (CD8 subunit alpha; minus strand). Cytogenetic location: 2p11.2.
Variant type: single nucleotide variant.
Coding change: c.547A>G on transcript NM_001768.7 (MANE Select); coding-DNA position 547, A replaced by G.
Protein change: p.Ile183Val; replaces isoleucine 183 with valine.
Molecular consequence: missense variant. On other transcripts: non-coding transcript variant (2), intron variant (1).
Genome position (GRCh38, 1-based): chr2:86,789,401, T>C on the plus strand (A>G on the coding strand, the complement: CD8A is on the minus strand). VCF-style: chr2-86789401-T-C. GRCh37 (hg19) VCF-style: chr2-87016524-T-C.
Other names: c.547A>G, p.Ile183Val (NM_001145873.1, NM_001382698.1); c.514+239A>G (NM_171827.4); short protein forms I183V.
Identifiers: ClinVar variation 841531 (VCV000841531.10), dbSNP rs1673167068, ClinGen allele CA347576115.

ClinVar aggregate classification (germline): Uncertain significance (1 of 4 stars; one submission).

Conditions:
Susceptibility to respiratory infections associated with CD8alpha chain mutation (IMD116). Also called: IMMUNODEFICIENCY 116; Cd8 deficiency, familial. Identifiers: Orphanet 169085, MedGen C1837065, MONDO:0012161, OMIM 608957.

Submission:

Labcorp Genetics (formerly Invitae), Labcorp
Classification: Uncertain significance for Susceptibility to respiratory infections associated with CD8alpha chain mutation. Last evaluated: 2025-03-03. Review status: criteria provided, single submitter. Criteria: Invitae Variant Classification Sherloc (09022015). Collection method: clinical testing. Allele origin: germline.
Comment: This sequence change replaces isoleucine, which is neutral and non-polar, with valine, which is neutral and non-polar, at codon 183 of the CD8A protein (p.Ile183Val). This variant is not present in population databases (gnomAD no frequency). This variant has not been reported in the literature in individuals affected with CD8A-related conditions. ClinVar contains an entry for this variant (Variation ID: 841531). An algorithm developed to predict the effect of missense changes on protein structure and function outputs the following: PolyPhen-2: "Benign". The valine amino acid residue is found in multiple mammalian species, which suggests that this missense change does not adversely affect protein function. In summary, the available evidence is currently insufficient to determine the role of this variant in disease. Therefore, it has been classified as a Variant of Uncertain Significance.